The following is an entry in ClinVar:

ClinVar aggregate classification (germline): Uncertain significance (1 of 4 stars; one submission).

Submission:

Labcorp Genetics (formerly Invitae), Labcorp
Classification: Uncertain significance. Last evaluated: 2021-08-23. Review status: criteria provided, single submitter. Criteria: Invitae Variant Classification Sherloc (09022015). Collection method: clinical testing. Allele origin: germline.
Comment: In summary, the available evidence is currently insufficient to determine the role of this variant in disease. Therefore, it has been classified as a Variant of Uncertain Significance. Advanced modeling of protein sequence and biophysical properties (such as structural, functional, and spatial information, amino acid conservation, physicochemical variation, residue mobility, and thermodynamic stability) performed at Invitae indicates that this missense variant is not expected to disrupt COL4A2 protein function. This variant has not been reported in the literature in individuals affected with COL4A2-related conditions. This variant is not present in population databases (ExAC no frequency). This sequence change replaces glutamine with glutamic acid at codon 1685 of the COL4A2 protein (p.Gln1685Glu). The glutamine residue is highly conserved and there is a small physicochemical difference between glutamine and glutamic acid.

NM_001846.4(COL4A2):c.5053C>G (p.Gln1685Glu)

Gene: COL4A2 (collagen type IV alpha 2 chain; plus strand). Cytogenetic location: 13q34.
Variant type: single nucleotide variant.
Coding change: c.5053C>G on transcript NM_001846.4 (MANE Select); coding-DNA position 5053, C replaced by G.
Protein change: p.Gln1685Glu; replaces glutamine 1685 with glutamic acid.
Molecular consequence: missense variant.
Genome position (GRCh38, 1-based): chr13:110,512,105, C>G. VCF-style: chr13-110512105-C-G. GRCh37 (hg19) VCF-style: chr13-111164452-C-G.
Other names: short protein forms Q1685E.
Identifiers: ClinVar variation 1377175 (VCV001377175.6), dbSNP rs2139564639, ClinGen allele CA388744459.